The following is an entry in ClinVar:

ClinVar aggregate classification (germline): Uncertain significance. Review status: criteria provided, multiple submitters, no conflicts (2 of 4 stars). 2 submissions from 2 submitters: Uncertain significance (2). Last evaluated 2025-05-15.

Conditions:
Inborn genetic diseases. Identifiers: MedGen C0950123, MeSH D030342.

Submissions (2):

Ambry Genetics
Classification: Uncertain significance for Inborn genetic diseases. Last evaluated: 2025-05-15. Review status: criteria provided, single submitter. Criteria: Ambry Variant Classification Scheme 2023. Collection method: clinical testing. Allele origin: germline.

GeneDx
Classification: Uncertain significance. Last evaluated: 2023-03-30. Review status: criteria provided, single submitter. Criteria: GeneDx Variant Classification Process June 2021. Collection method: clinical testing. Allele origin: germline. Affected: yes.
Comment: Not observed at significant frequency in large population cohorts (gnomAD); In silico analysis supports that this missense variant has a deleterious effect on protein structure/function; Has not been previously published as pathogenic or benign to our knowledge

NM_018489.3(ASH1L):c.302A>G (p.Lys101Arg)

Gene: ASH1L (ASH1 like histone lysine methyltransferase; minus strand). Cytogenetic location: 1q22.
Variant type: single nucleotide variant.
Coding change: c.302A>G on transcript NM_018489.3 (MANE Select); coding-DNA position 302, A replaced by G.
Protein change: p.Lys101Arg; replaces lysine 101 with arginine.
Molecular consequence: missense variant.
Genome position (GRCh38, 1-based): chr1:155,521,218, T>C on the plus strand (A>G on the coding strand, the complement: ASH1L is on the minus strand). VCF-style: chr1-155521218-T-C. GRCh37 (hg19) VCF-style: chr1-155491009-T-C.
Other names: c.302A>G, p.Lys101Arg (NM_001366177.2); short protein forms K101R.
Identifiers: ClinVar variation 2582158 (VCV002582158.2), dbSNP rs1668865625, ClinGen allele CA342714029.